The following is an entry in ClinVar:

ClinVar aggregate classification (germline): Uncertain significance (1 of 4 stars; one submission).

gnomAD v4.1: 1 of 1,585,204 alleles (0.000063%); highest among the groups gnomAD compares: South Asian, 0.0012%; no homozygotes.

Submission:

Labcorp Genetics (formerly Invitae), Labcorp
Classification: Uncertain significance. Last evaluated: 2026-02-03. Review status: criteria provided, single submitter. Criteria: Invitae Variant Classification Sherloc (09022015). Collection method: clinical testing. Allele origin: germline.
Comment: This sequence change replaces leucine, which is neutral and non-polar, with valine, which is neutral and non-polar, at codon 2958 of the HMCN1 protein (p.Leu2958Val). This variant is present in population databases (no rsID available, gnomAD 0.003%). This variant has not been reported in the literature in individuals affected with HMCN1-related conditions. An algorithm developed to predict the effect of missense changes on protein structure and function (PolyPhen-2) suggests that this variant is likely to be tolerated. In summary, the available evidence is currently insufficient to determine the role of this variant in disease. Therefore, it has been classified as a Variant of Uncertain Significance.

NM_031935.3(HMCN1):c.8872C>G (p.Leu2958Val)

Gene: HMCN1 (hemicentin 1; plus strand). Cytogenetic location: 1q31.1.
Variant type: single nucleotide variant.
Coding change: c.8872C>G on transcript NM_031935.3 (MANE Select); coding-DNA position 8872, C replaced by G.
Protein change: p.Leu2958Val; replaces leucine 2958 with valine.
Molecular consequence: missense variant.
Genome position (GRCh38, 1-based): chr1:186,082,949, C>G. VCF-style: chr1-186082949-C-G. GRCh37 (hg19) VCF-style: chr1-186052081-C-G.
Other names: short protein forms L2958V.
Identifiers: ClinVar variation 4736606 (VCV004736606.1).